The following is an entry in ClinVar:

NM_016169.4(SUFU):c.1316T>C (p.Phe439Ser)

Gene: SUFU (SUFU negative regulator of hedgehog signaling; plus strand). Cytogenetic location: 10q24.32.
Variant type: single nucleotide variant.
Coding change: c.1316T>C on transcript NM_016169.4 (MANE Select); coding-DNA position 1316, T replaced by C.
Protein change: p.Phe439Ser; replaces phenylalanine 439 with serine.
Molecular consequence: missense variant.
Genome position (GRCh38, 1-based): chr10:102,627,194, T>C. VCF-style: chr10-102627194-T-C. GRCh37 (hg19) VCF-style: chr10-104386951-T-C.
Other names: short protein forms F439S.
Identifiers: ClinVar variation 524657 (VCV000524657.9), dbSNP rs778975698, ClinGen allele CA377918759.

ClinVar aggregate classification (germline): Uncertain significance (1 of 4 stars; one submission).

Conditions:
Gorlin syndrome. Also called: Basal cell nevus syndrome; Nevoid Basal Cell Carcinoma Syndrome. Identifiers: Orphanet 377, MedGen C0004779, MONDO:0007187.
Medulloblastoma (MDB). Also called: Medulloblastoma, somatic; MEDULLOBLASTOMA PREDISPOSITION SYNDROME. Identifiers: Orphanet 616, MedGen C0025149, MeSH D008527, MONDO:0007959, OMIM 155255, HP:0002885.

Submission:

Labcorp Genetics (formerly Invitae), Labcorp
Classification: Uncertain significance for Gorlin syndrome; Medulloblastoma. Last evaluated: 2017-10-23. Review status: criteria provided, single submitter. Criteria: Invitae Variant Classification Sherloc (09022015). Collection method: clinical testing. Allele origin: germline.
Comment: In summary, the available evidence is currently insufficient to determine the role of this variant in disease. Therefore, it has been classified as a Variant of Uncertain Significance. Algorithms developed to predict the effect of missense changes on protein structure and function (SIFT, PolyPhen-2, Align-GVGD) all suggest that this variant is likely to be tolerated, but these predictions have not been confirmed by published functional studies and their clinical significance is uncertain. This variant has not been reported in the literature in individuals with SUFU-related disease. This variant is not present in population databases (ExAC no frequency). This sequence change replaces phenylalanine with serine at codon 439 of the SUFU protein (p.Phe439Ser). The phenylalanine residue is highly conserved and there is a large physicochemical difference between phenylalanine and serine.